The following is an entry in ClinVar:

ClinVar aggregate classification (germline): Uncertain significance (1 of 4 stars; one submission).

Conditions:
Cardiovascular phenotype. Identifiers: MedGen CN230736.

Allele frequency attached by ClinVar (database versions not stated): gnomAD exomes below 0.00001; ExAC 0.00001.

Submission:

Ambry Genetics
Classification: Uncertain significance for Cardiovascular phenotype. Last evaluated: 2022-11-27. Review status: criteria provided, single submitter. Criteria: Ambry Variant Classification Scheme 2023. Collection method: clinical testing. Allele origin: germline.
Comment: The p.L391F variant (also known as c.1173G>T), located in coding exon 9 of the SCN10A gene, results from a G to T substitution at nucleotide position 1173. The leucine at codon 391 is replaced by phenylalanine, an amino acid with highly similar properties. This amino acid position is conserved. In addition, this alteration is predicted to be deleterious by in silico analysis. Since supporting evidence is limited at this time, the clinical significance of this alteration remains unclear.

NM_006514.4(SCN10A):c.1173G>T (p.Leu391Phe)

Gene: SCN10A (sodium voltage-gated channel alpha subunit 10; minus strand). Cytogenetic location: 3p22.2.
Variant type: single nucleotide variant.
Coding change: c.1173G>T on transcript NM_006514.4 (MANE Select); coding-DNA position 1173, G replaced by T.
Protein change: p.Leu391Phe; replaces leucine 391 with phenylalanine.
Molecular consequence: missense variant.
Genome position (GRCh38, 1-based): chr3:38,756,791, C>A on the plus strand (G>T on the coding strand, the complement: SCN10A is on the minus strand). VCF-style: chr3-38756791-C-A. GRCh37 (hg19) VCF-style: chr3-38798282-C-A.
Other names: c.1173G>T, p.Leu391Phe (NM_001293306.2, NM_001293307.2); short protein forms L391F.
Identifiers: ClinVar variation 2448835 (VCV002448835.2), dbSNP rs760504745, ClinGen allele CA2320944.
Genomic context (GRCh38, chr3:38,756,791, plus strand): 5'-AATTTCATCAGTGGTTGCCTGGTTCTGCTCCTCATACGCCATGGTGACTACAGCCAAGAT[C>A]AAGTTGACCAGGTAGAAAGATCCCAGGAAGATTACGAGCACAAAAAAGATCATATAGATT-3'
Protein context (NP_006505.4, residues 381-401): IFLGSFYLVN[Leu391Phe]ILAVVTMAYE